The following is an entry in ClinVar:

ClinVar aggregate classification (germline): Uncertain significance. Review status: criteria provided, multiple submitters, no conflicts (2 of 4 stars). 2 submissions from 2 submitters: Uncertain significance (2). Last evaluated 2026-05-30.

Conditions:
Baller-Gerold syndrome (BGS). Also called: CRANIOSYNOSTOSIS WITH RADIAL DEFECTS. Identifiers: Orphanet 1225, MedGen C0265308, MONDO:0009039, OMIM 218600.
Inborn genetic diseases. Identifiers: MedGen C0950123, MeSH D030342.

Allele frequency attached by ClinVar (database versions not stated): gnomAD exomes below 0.00001.

Submissions (2):

Ambry Genetics
Classification: Uncertain significance for Inborn genetic diseases. Last evaluated: 2026-05-30. Review status: criteria provided, single submitter. Criteria: Ambry Variant Classification Scheme 2023. Collection method: clinical testing. Allele origin: germline.
Comment: The p.M578T variant (also known as c.1733T>C), located in coding exon 11 of the RECQL4 gene, results from a T to C substitution at nucleotide position 1733. The methionine at codon 578 is replaced by threonine, an amino acid with similar properties. This amino acid position is conserved. In addition, the in silico prediction for this alteration is inconclusive. Based on the available evidence, the clinical significance of this variant remains unclear.

Labcorp Genetics (formerly Invitae), Labcorp
Classification: Uncertain significance for Baller-Gerold syndrome. Last evaluated: 2022-02-09. Review status: criteria provided, single submitter. Criteria: Invitae Variant Classification Sherloc (09022015). Collection method: clinical testing. Allele origin: germline.
Comment: This variant is present in population databases (no rsID available, gnomAD 0.0009%). In summary, the available evidence is currently insufficient to determine the role of this variant in disease. Therefore, it has been classified as a Variant of Uncertain Significance. Experimental studies and prediction algorithms are not available or were not evaluated, and the functional significance of this variant is currently unknown. ClinVar contains an entry for this variant (Variation ID: 1007072). This variant has not been reported in the literature in individuals affected with RECQL4-related conditions. This sequence change replaces methionine, which is neutral and non-polar, with threonine, which is neutral and polar, at codon 578 of the RECQL4 protein (p.Met578Thr).

NM_004260.4(RECQL4):c.1733T>C (p.Met578Thr)

Gene: RECQL4 (RecQ like helicase 4; minus strand). Cytogenetic location: 8q24.3.
Variant type: single nucleotide variant.
Coding change: c.1733T>C on transcript NM_004260.4 (MANE Select); coding-DNA position 1733, T replaced by C.
Protein change: p.Met578Thr; replaces methionine 578 with threonine.
Molecular consequence: missense variant.
Genome position (GRCh38, 1-based): chr8:144,514,334, A>G on the plus strand (T>C on the coding strand, the complement: RECQL4 is on the minus strand). VCF-style: chr8-144514334-A-G. GRCh37 (hg19) VCF-style: chr8-145739718-A-G.
Other names: c.1733T>C (NM_004260.3); short protein forms M578T.
Identifiers: ClinVar variation 1007072 (VCV001007072.6), dbSNP rs1293785230, ClinGen allele CA372681182.